The following is an entry in ClinVar:

ClinVar aggregate classification (germline): Benign/Likely benign. Review status: criteria provided, multiple submitters, no conflicts (2 of 4 stars). 4 submissions from 4 submitters: Benign (1); Likely benign (3). Last evaluated 2026-04-20.

Conditions:
DICER1-related tumor predisposition. Also called: DICER1-related pleuropulmonary blastoma cancer predisposition syndrome; DICER1 syndrome. Identifiers: Orphanet 284343, MedGen C3839822, MONDO:0100216.
Hereditary cancer-predisposing syndrome. Also called: Hereditary neoplastic syndrome; Neoplastic Syndromes, Hereditary; Hereditary Cancer Syndrome; Tumor predisposition. Identifiers: Orphanet 140162, MedGen C0027672, MeSH D009386, MONDO:0015356.

Allele frequency attached by ClinVar (database versions not stated): gnomAD exomes 0.00001; TOPMed 0.00001; ESP Exome Variant Server 0.00008; gnomAD 0.00001; ExAC 0.00002.
gnomAD v4.1: 15 of 1,614,088 alleles (0.00093%); highest among the groups gnomAD compares: Non-Finnish European, 0.0011%; no homozygotes.

Submissions (4):

Myriad Genetics, Inc.
Classification: Benign for DICER1-related tumor predisposition. Last evaluated: 2026-04-20. Review status: criteria provided, single submitter. Criteria: Myriad Autosomal Dominant, Autosomal Recessive and X-Linked Classification Criteria (2023). Collection method: clinical testing. Allele origin: unknown.
Comment: This variant is considered benign. This variant is a silent/synonymous amino acid change and it is not expected to impact splicing.

Labcorp Genetics (formerly Invitae), Labcorp
Classification: Likely benign for DICER1-related tumor predisposition. Last evaluated: 2026-01-23. Review status: criteria provided, single submitter. Criteria: Invitae Variant Classification Sherloc (09022015). Collection method: clinical testing. Allele origin: germline.

Sema4
Classification: Likely benign for Hereditary cancer-predisposing syndrome. Last evaluated: 2022-01-16. Review status: criteria provided, single submitter. Criteria: Sema4 Curation Guidelines. Collection method: curation. Allele origin: germline.

Ambry Genetics
Classification: Likely benign for Hereditary cancer-predisposing syndrome. Last evaluated: 2017-11-21. Review status: criteria provided, single submitter. Criteria: Ambry Variant Classification Scheme 2023. Collection method: clinical testing. Allele origin: germline.

NM_177438.3(DICER1):c.4986T>C (p.Leu1662=)

Gene: DICER1 (dicer 1, ribonuclease III; minus strand). Cytogenetic location: 14q32.13.
Variant type: single nucleotide variant.
Coding change: c.4986T>C on transcript NM_177438.3 (MANE Select); coding-DNA position 4986, T replaced by C.
Protein change: p.Leu1662=; no amino-acid change (leucine 1662 retained).
Molecular consequence: synonymous variant.
Genome position (GRCh38, 1-based): chr14:95,095,934, A>G on the plus strand (T>C on the coding strand, the complement: DICER1 is on the minus strand). VCF-style: chr14-95095934-A-G. GRCh37 (hg19) VCF-style: chr14-95562271-A-G.
Other names: c.4986T>C, p.Leu1662= (NM_001195573.1, NM_001271282.3, NM_001291628.2 and 1 more transcripts).
Identifiers: ClinVar variation 477230 (VCV000477230.18), dbSNP rs371564184, ClinGen allele CA7330761.